The following is an entry in ClinVar:

NM_001134225.2(INPP4A):c.2571G>C (p.Leu857=)

Gene: INPP4A (inositol polyphosphate-4-phosphatase type I A; plus strand). Cytogenetic location: 2q11.2.
Variant type: single nucleotide variant.
Coding change: c.2571G>C on transcript NM_001134225.2 (MANE Select); coding-DNA position 2571, G replaced by C.
Protein change: p.Leu857=; no amino-acid change (leucine 857 retained).
Molecular consequence: synonymous variant.
Genome position (GRCh38, 1-based): chr2:98,572,867, G>C. VCF-style: chr2-98572867-G-C. GRCh37 (hg19) VCF-style: chr2-99189330-G-C.
Other names: c.2586G>C, p.Leu862= (NM_001134224.2); c.2472G>C, p.Leu824= (NM_001351424.1, NM_001351425.2, NM_001351426.2); c.2469G>C, p.Leu823= (NM_001351427.2, NM_001566.2, NM_004027.3); c.2454G>C, p.Leu818= (NM_001351428.2); c.2421G>C, p.Leu807= (NM_001351429.2).
Identifiers: ClinVar variation 775175 (VCV000775175.19), dbSNP rs61748144, ClinGen allele CA1794921.

ClinVar aggregate classification (germline): Benign/Likely benign. Review status: criteria provided, multiple submitters, no conflicts (2 of 4 stars). 4 submissions from 4 submitters: Benign (2); Likely benign (2). Last evaluated 2026-06-01.

Allele frequency attached by ClinVar (database versions not stated): 1000 Genomes Project 0.00040; 1000 Genomes Project 30x 0.00047; gnomAD exomes 0.00325 and 0.00558; TOPMed 0.00345; ESP Exome Variant Server 0.00350; ExAC 0.00685.
gnomAD v4.1: 8,367 of 1,579,350 alleles (0.53%); highest among the groups gnomAD compares: Non-Finnish European, 0.67%; 31 homozygotes.

Submissions (4):

CeGaT Center for Human Genetics Tuebingen
Classification: Likely benign. Last evaluated: 2026-06-01. Review status: criteria provided, single submitter. Criteria: CeGaT Center For Human Genetics Tuebingen Variant Classification Criteria Version 2. Collection method: clinical testing. Allele origin: germline. Affected: yes. Observed: 3 variant alleles.
Comment: INPP4A: BP4, BP7, BS2

Blueprint Genetics
Classification: Likely benign. Last evaluated: 2024-11-26. Review status: criteria provided, single submitter. Criteria: ACMG Guidelines, 2015. Collection method: clinical testing. Allele origin: germline.

Labcorp Genetics (formerly Invitae), Labcorp
Classification: Benign. Last evaluated: 2019-12-31. Review status: criteria provided, single submitter. Criteria: Invitae Variant Classification Sherloc (09022015). Collection method: clinical testing. Allele origin: germline.

Breakthrough Genomics
Classification: Benign. Review status: criteria provided, single submitter. Criteria: ACMG Guidelines, 2015. Collection method: not provided. Allele origin: germline. Inheritance: Unknown mechanism. Affected: yes.